The following is an entry in ClinVar:

ClinVar aggregate classification (germline): Uncertain significance. Review status: criteria provided, multiple submitters, no conflicts (2 of 4 stars). 5 submissions from 5 submitters: Uncertain significance (5). Last evaluated 2025-08-09.

Conditions:
Catecholaminergic polymorphic ventricular tachycardia 2. Also called: CASQ2-Related Catecholaminergic Polymorphic Ventricular Tachycardia; VENTRICULAR TACHYCARDIA, STRESS-INDUCED POLYMORPHIC 2. Identifiers: Orphanet 3286, MedGen C2677794, MONDO:0012762, OMIM 611938.
Catecholaminergic polymorphic ventricular tachycardia 1. Also called: VENTRICULAR TACHYCARDIA, STRESS-INDUCED POLYMORPHIC 1; VENTRICULAR TACHYCARDIA, CATECHOLAMINERGIC POLYMORPHIC, 1, WITH OR WITHOUT ATRIAL DYSFUNCTION AND/OR DILATED CARDIOMYOPATHY; RYR2-Related Catecholaminergic Polymorphic Ventricular Tachycardia. Identifiers: Orphanet 3286, MedGen C1631597, MONDO:0011484, OMIM 604772.
Cardiovascular phenotype. Identifiers: MedGen CN230736.

Allele frequency attached by ClinVar (database versions not stated): ExAC 0.00001; gnomAD 0.00001; gnomAD exomes 0.00001 and 0.00003.
gnomAD v4.1: 39 of 1,609,770 alleles (0.0024%); highest among the groups gnomAD compares: Non-Finnish European, 0.0031%; no homozygotes.

Submissions (5):

Ambry Genetics
Classification: Uncertain significance for Cardiovascular phenotype. Last evaluated: 2025-08-09. Review status: criteria provided, single submitter. Criteria: Ambry Variant Classification Scheme 2023. Collection method: clinical testing. Allele origin: germline.
Comment: The p.L265V variant (also known as c.793T>G), located in coding exon 8 of the CASQ2 gene, results from a T to G substitution at nucleotide position 793. The leucine at codon 265 is replaced by valine, an amino acid with highly similar properties. This amino acid position is conserved. In addition, this alteration is predicted to be tolerated by in silico analysis. Based on the available evidence, the clinical significance of this variant remains unclear.

Labcorp Genetics (formerly Invitae), Labcorp
Classification: Uncertain significance for Catecholaminergic polymorphic ventricular tachycardia 1. Last evaluated: 2025-01-29. Review status: criteria provided, single submitter. Criteria: Invitae Variant Classification Sherloc (09022015). Collection method: clinical testing. Allele origin: germline.
Comment: This sequence change replaces leucine, which is neutral and non-polar, with valine, which is neutral and non-polar, at codon 265 of the CASQ2 protein (p.Leu265Val). This variant is present in population databases (rs772419873, gnomAD 0.002%). This variant has not been reported in the literature in individuals affected with CASQ2-related conditions. ClinVar contains an entry for this variant (Variation ID: 1442304). Invitae Evidence Modeling of protein sequence and biophysical properties (such as structural, functional, and spatial information, amino acid conservation, physicochemical variation, residue mobility, and thermodynamic stability) indicates that this missense variant is not expected to disrupt CASQ2 protein function with a negative predictive value of 80%. In summary, the available evidence is currently insufficient to determine the role of this variant in disease. Therefore, it has been classified as a Variant of Uncertain Significance.

Victorian Clinical Genetics Services, Murdoch Childrens Research Institute
Classification: Uncertain significance for Catecholaminergic polymorphic ventricular tachycardia 2. Last evaluated: 2023-07-17. Review status: criteria provided, single submitter. Criteria: ACMG Guidelines, 2015. Collection method: clinical testing. Allele origin: germline. Inheritance: Autosomal recessive inheritance. Affected: yes.
Comment: Based on the classification scheme VCGS_Germline_v1.3.4, this variant is classified as VUS-3C. Following criteria are met: 0102 - Loss of function is a known mechanism of disease in this gene and is associated with catecholaminergic polymorphic ventricular tachycardia 2 (MIM#611938). (I) 0108 - This gene is associated with both recessive and dominant disease. There is definitive evidence for autosomal recessive CPVT and moderate evidence for autosomal dominant CPVT (ClinGen). (I) 0200 - Variant is predicted to result in a missense amino acid change from leucine to valine. (I) 0251 - This variant is heterozygous. (I) 0304 - Variant is present in gnomAD <0.01 (v2 & v3: 4 heterozygotes, 0 homozygotes). (SP) 0503 - Missense variant consistently predicted to be tolerated by multiple in silico tools or not conserved in placental mammals with a minor amino acid change. (SB) 0600 - Variant is located in the annotated calsequestrin domain (DECIPHER). (I) 0705 - No comparable missense variants have previous evidence for pathogenicity. (I) 0809 - Previous evidence of pathogenicity for this variant is inconclusive. It has been reported as a VUS by a clinical testing laboratory (ClinVar). (I) 0905 - No published segregation evidence has been identified for this variant. (I) 1007 - No published functional evidence has been identified for this variant. (I) 1208 - Inheritance information for this variant is not currently available in this individual. (I) Legend: (SP) - Supporting pathogenic, (I) - Information, (SB) - Supporting benign

Genome-Nilou Lab
Classification: Uncertain significance for Catecholaminergic polymorphic ventricular tachycardia 2. Last evaluated: 2023-04-11. Review status: criteria provided, single submitter. Criteria: ACMG Guidelines, 2015. Collection method: clinical testing. Allele origin: germline. Affected: no.

Fulgent Genetics
Classification: Uncertain significance for Catecholaminergic polymorphic ventricular tachycardia 1; Catecholaminergic polymorphic ventricular tachycardia 2. Last evaluated: 2021-08-09. Review status: criteria provided, single submitter. Criteria: ACMG Guidelines, 2015. Collection method: clinical testing. Allele origin: unknown.

NM_001232.4(CASQ2):c.793T>G (p.Leu265Val)

Gene: CASQ2 (calsequestrin 2; minus strand). Cytogenetic location: 1p13.1.
Variant type: single nucleotide variant.
Coding change: c.793T>G on transcript NM_001232.4 (MANE Select); coding-DNA position 793, T replaced by G.
Protein change: p.Leu265Val; replaces leucine 265 with valine.
Molecular consequence: missense variant.
Genome position (GRCh38, 1-based): chr1:115,717,885, A>C on the plus strand (T>G on the coding strand, the complement: CASQ2 is on the minus strand). VCF-style: chr1-115717885-A-C. GRCh37 (hg19) VCF-style: chr1-116260506-A-C.
Other names: c.793T>G (NM_001232.3); short protein forms L265V.
Identifiers: ClinVar variation 1442304 (VCV001442304.10), dbSNP rs772419873, ClinGen allele CA1023735.